The following is an entry in ClinVar:

NM_052867.4(NALCN):c.2627A>G (p.His876Arg)

Gene: NALCN (sodium leak channel, non-selective; minus strand). Cytogenetic location: 13q33.1.
Variant type: single nucleotide variant.
Coding change: c.2627A>G on transcript NM_052867.4 (MANE Select); coding-DNA position 2627, A replaced by G.
Protein change: p.His876Arg; replaces histidine 876 with arginine.
Molecular consequence: missense variant.
Genome position (GRCh38, 1-based): chr13:101,104,903, T>C on the plus strand (A>G on the coding strand, the complement: NALCN is on the minus strand). VCF-style: chr13-101104903-T-C. GRCh37 (hg19) VCF-style: chr13-101757254-T-C.
Other names: c.2714A>G, p.His905Arg (NM_001350748.2); c.2627A>G, p.His876Arg (NM_001350749.2); c.2540A>G, p.His847Arg (NM_001350750.2, NM_001350751.2); short protein forms H876R, H905R, H847R.
Identifiers: ClinVar variation 2796809 (VCV002796809.3), dbSNP rs2035017681, ClinGen allele CA388670093.
Genomic context (GRCh38, chr13:101,104,903, plus strand): 5'-AGTACATGAAAACTTTAAATGTGCATGGAAAATGAAGTTGGTGATGCTTACTAAAGTTGA[T>C]GGTACTTTGTATTTTTCACAGCTCCTGTGACAGGGTCTGTTTTAGATCTGTAAGAGAACA-3'
Protein context (NP_443099.1, residues 866-886): VTGAVKNTKY[His876Arg]QLYDLLGLVT

ClinVar aggregate classification (germline): Uncertain significance (1 of 4 stars; one submission).

Allele frequency attached by ClinVar (database versions not stated): gnomAD 0.00001.
gnomAD v4.1: 1 of 1,613,692 alleles (0.000062%); highest among the groups gnomAD compares: African/African-American, 0.0013%; no homozygotes.

Submission:

Labcorp Genetics (formerly Invitae), Labcorp
Classification: Uncertain significance. Last evaluated: 2023-06-04. Review status: criteria provided, single submitter. Criteria: Invitae Variant Classification Sherloc (09022015). Collection method: clinical testing. Allele origin: germline.
Comment: Advanced modeling of protein sequence and biophysical properties (such as structural, functional, and spatial information, amino acid conservation, physicochemical variation, residue mobility, and thermodynamic stability) performed at Invitae indicates that this missense variant is not expected to disrupt NALCN protein function. This variant has not been reported in the literature in individuals affected with NALCN-related conditions. This variant is not present in population databases (gnomAD no frequency). This sequence change replaces histidine, which is basic and polar, with arginine, which is basic and polar, at codon 876 of the NALCN protein (p.His876Arg). In summary, the available evidence is currently insufficient to determine the role of this variant in disease. Therefore, it has been classified as a Variant of Uncertain Significance.